The following is an entry in ClinVar:

ClinVar aggregate classification (germline): Likely pathogenic. Review status: criteria provided, multiple submitters, no conflicts (2 of 4 stars). 2 submissions from 2 submitters: Likely pathogenic (2). Last evaluated 2026-03-02.

Conditions:
KCNQ2-Related Disorders. Also called: KCNQ2-related condition; KCNQ2-related disorder. Identifiers: MedGen CN169299.

Submissions (2):

GeneDx
Classification: Likely pathogenic. Last evaluated: 2026-03-02. Review status: criteria provided, single submitter. Criteria: GeneDx Variant Classification Process June 2021. Collection method: clinical testing. Allele origin: germline.
Comment: Not observed at significant frequency in large population cohorts (gnomAD); In silico analysis supports that this missense variant has a deleterious effect on protein structure/function; Has not been previously published as pathogenic or benign to our knowledge; This variant is associated with the following publications: (PMID: 27602407)

Blueprint Genetics
Classification: Likely pathogenic for KCNQ2-related disorders. Last evaluated: 2021-06-07. Review status: criteria provided, single submitter. Criteria: ACMG Guidelines, 2015. Collection method: clinical testing. Allele origin: germline. Affected: yes. Observed: 1 variant allele.

NM_172107.4(KCNQ2):c.1643T>G (p.Phe548Cys)

Gene: KCNQ2 (potassium voltage-gated channel subfamily Q member 2; minus strand). Cytogenetic location: 20q13.33.
Variant type: single nucleotide variant.
Coding change: c.1643T>G on transcript NM_172107.4 (MANE Select); coding-DNA position 1643, T replaced by G.
Protein change: p.Phe548Cys; replaces phenylalanine 548 with cysteine.
Molecular consequence: missense variant.
Genome position (GRCh38, 1-based): chr20:63,413,570, A>C on the plus strand (T>G on the coding strand, the complement: KCNQ2 is on the minus strand). VCF-style: chr20-63413570-A-C. GRCh37 (hg19) VCF-style: chr20-62044923-A-C.
Other names: c.1643T>G (NM_172107.2); c.1589T>G, p.Phe530Cys (NM_001382235.1, NM_172106.3); c.1586T>G, p.Phe529Cys (NM_001439003.1); c.1556T>G, p.Phe519Cys (NM_001439004.1); c.1559T>G, p.Phe520Cys (NM_004518.6); c.1550T>G, p.Phe517Cys (NM_172108.5); short protein forms F519C, F520C, F530C, F548C, F517C, F529C.
Identifiers: ClinVar variation 4945760 (VCV004945760.2).